The following is an entry in ClinVar:

NM_001365999.1(SZT2):c.1613G>C (p.Gly538Ala)

Gene: SZT2 (SZT2 subunit of KICSTOR complex; plus strand). Cytogenetic location: 1p34.2.
Variant type: single nucleotide variant.
Coding change: c.1613G>C on transcript NM_001365999.1 (MANE Select); coding-DNA position 1613, G replaced by C.
Protein change: p.Gly538Ala; replaces glycine 538 with alanine.
Molecular consequence: missense variant.
Genome position (GRCh38, 1-based): chr1:43,421,290, G>C. VCF-style: chr1-43421290-G-C. GRCh37 (hg19) VCF-style: chr1-43886961-G-C.
Other names: c.1613G>C, p.Gly538Ala (NM_015284.4); short protein forms G538A.
Identifiers: ClinVar variation 1056157 (VCV001056157.8), dbSNP rs764307422, ClinGen allele CA808461.
Genomic context (GRCh38, chr1:43,421,290, plus strand): 5'-AGCATTTCACGCTTCCTGACAGCACCAAGAGCGGAGTGCCACTCTTCTACATCCCTCCAG[G>C]CTCCACCACCCCGGTGAGTAGCTCTGAAGTATAGTAGCCCCATTTCATGTCAACTTGGGT-3'
Protein context (NP_001352928.1, residues 528-548): SGVPLFYIPP[Gly538Ala]STTPVLSLQP

ClinVar aggregate classification (germline): Uncertain significance. Review status: criteria provided, multiple submitters, no conflicts (2 of 4 stars). 3 submissions from 3 submitters: Uncertain significance (3). Last evaluated 2023-04-11.

Conditions:
Developmental and epileptic encephalopathy, 18 (DEE18). Also called: Early infantile epileptic encephalopathy 18. Identifiers: Orphanet 369894, MedGen C3809624, MONDO:0014201, OMIM 615476.

Allele frequency attached by ClinVar (database versions not stated): gnomAD 0.00003; ExAC 0.00013; gnomAD exomes 0.00014.
gnomAD v4.1: 114 of 1,598,398 alleles (0.0071%); highest among the groups gnomAD compares: South Asian, 0.12%; no homozygotes.

Submissions (3):

Genome-Nilou Lab
Classification: Uncertain significance for Developmental and epileptic encephalopathy, 18. Last evaluated: 2023-04-11. Review status: criteria provided, single submitter. Criteria: ACMG Guidelines, 2015. Collection method: clinical testing. Allele origin: germline. Affected: no.

Labcorp Genetics (formerly Invitae), Labcorp
Classification: Uncertain significance. Last evaluated: 2022-07-25. Review status: criteria provided, single submitter. Criteria: Invitae Variant Classification Sherloc (09022015). Collection method: clinical testing. Allele origin: germline.
Comment: This sequence change replaces glycine, which is neutral and non-polar, with alanine, which is neutral and non-polar, at codon 538 of the SZT2 protein (p.Gly538Ala). This variant is present in population databases (rs764307422, gnomAD 0.1%). This variant has not been reported in the literature in individuals affected with SZT2-related conditions. ClinVar contains an entry for this variant (Variation ID: 1056157). Algorithms developed to predict the effect of missense changes on protein structure and function are either unavailable or do not agree on the potential impact of this missense change (SIFT: "Tolerated"; PolyPhen-2: "Possibly Damaging"; Align-GVGD: "Class C0"). In summary, the available evidence is currently insufficient to determine the role of this variant in disease. Therefore, it has been classified as a Variant of Uncertain Significance.

GeneDx
Classification: Uncertain significance. Last evaluated: 2021-03-09. Review status: criteria provided, single submitter. Criteria: GeneDx Variant Classification Process June 2021. Collection method: clinical testing. Allele origin: germline. Affected: yes.
Comment: Has not been previously published as pathogenic or benign to our knowledge; In silico analysis supports that this missense variant does not alter protein structure/function